The following is an entry in ClinVar:

ClinVar aggregate classification (germline): Uncertain significance (1 of 4 stars; one submission).

Allele frequency attached by ClinVar (database versions not stated): gnomAD 0.00001.
gnomAD v4.1: 1 of 1,614,056 alleles (0.000062%); highest among the groups gnomAD compares: Admixed American, 0.0017%; no homozygotes.

Submission:

GeneDx
Classification: Uncertain significance. Last evaluated: 2022-12-19. Review status: criteria provided, single submitter. Criteria: GeneDx Variant Classification Process June 2021. Collection method: clinical testing. Allele origin: germline. Affected: yes.
Comment: Not observed at significant frequency in large population cohorts (gnomAD); In silico analysis supports that this missense variant has a deleterious effect on protein structure/function; Has not been previously published as pathogenic or benign to our knowledge

NM_005901.6(SMAD2):c.1297A>G (p.Ser433Gly)

Gene: SMAD2 (SMAD family member 2; minus strand). Cytogenetic location: 18q21.1.
Variant type: single nucleotide variant.
Coding change: c.1297A>G on transcript NM_005901.6 (MANE Select); coding-DNA position 1297, A replaced by G.
Protein change: p.Ser433Gly; replaces serine 433 with glycine.
Molecular consequence: missense variant.
Genome position (GRCh38, 1-based): chr18:47,841,934, T>C on the plus strand (A>G on the coding strand, the complement: SMAD2 is on the minus strand). VCF-style: chr18-47841934-T-C. GRCh37 (hg19) VCF-style: chr18-45368305-T-C.
Other names: c.1297A>G, p.Ser433Gly (NM_001003652.4); c.1207A>G, p.Ser403Gly (NM_001135937.3); short protein forms S403G, S433G.
Identifiers: ClinVar variation 2505610 (VCV002505610.1), dbSNP rs1913990153, ClinGen allele CA402502719.